The following is an entry in ClinVar:

ClinVar aggregate classification (germline): Uncertain significance. Review status: criteria provided, multiple submitters, no conflicts (2 of 4 stars). 2 submissions from 2 submitters: Uncertain significance (2). Last evaluated 2024-10-15.

Conditions:
Dystonic disorder. Also called: Dystonia. Identifiers: MedGen C0013421, MONDO:0003441, HP:0001332.

Allele frequency attached by ClinVar (database versions not stated): gnomAD 0.00001; TOPMed 0.00001.
gnomAD v4.1: 1 of 1,614,052 alleles (0.000062%); highest among the groups gnomAD compares: African/African-American, 0.0013%; no homozygotes.

Submissions (2):

Labcorp Genetics (formerly Invitae), Labcorp
Classification: Uncertain significance for Dystonic disorder. Last evaluated: 2024-10-15. Review status: criteria provided, single submitter. Criteria: Invitae Variant Classification Sherloc (09022015). Collection method: clinical testing. Allele origin: germline.
Comment: This sequence change replaces glycine, which is neutral and non-polar, with aspartic acid, which is acidic and polar, at codon 742 of the CIZ1 protein (p.Gly742Asp). This variant is not present in population databases (gnomAD no frequency). This variant has not been reported in the literature in individuals affected with CIZ1-related conditions. ClinVar contains an entry for this variant (Variation ID: 2322131). An algorithm developed to predict the effect of missense changes on protein structure and function outputs the following: PolyPhen-2: "Benign". The aspartic acid amino acid residue is found in multiple mammalian species, which suggests that this missense change does not adversely affect protein function. In summary, the available evidence is currently insufficient to determine the role of this variant in disease. Therefore, it has been classified as a Variant of Uncertain Significance.

Ambry Genetics
Classification: Uncertain significance. Last evaluated: 2022-11-03. Review status: criteria provided, single submitter. Criteria: Ambry Variant Classification Scheme 2023. Collection method: clinical testing. Allele origin: germline.

NM_001131016.2(CIZ1):c.2225G>A (p.Gly742Asp)

Gene: CIZ1 (CDKN1A interacting zinc finger protein 1; minus strand). Cytogenetic location: 9q34.11.
Variant type: single nucleotide variant.
Coding change: c.2225G>A on transcript NM_001131016.2 (MANE Select); coding-DNA position 2225, G replaced by A.
Protein change: p.Gly742Asp; replaces glycine 742 with aspartic acid.
Molecular consequence: missense variant.
Genome position (GRCh38, 1-based): chr9:128,169,122, C>T on the plus strand (G>A on the coding strand, the complement: CIZ1 is on the minus strand). VCF-style: chr9-128169122-C-T. GRCh37 (hg19) VCF-style: chr9-130931401-C-T.
Other names: c.2057G>A, p.Gly686Asp (NM_001131015.2); c.2042G>A, p.Gly681Asp (NM_001131017.2); c.1985G>A, p.Gly662Asp (NM_001131018.2); c.2393G>A, p.Gly798Asp (NM_001257975.2); c.1922G>A, p.Gly641Asp (NM_001257976.2); c.2225G>A, p.Gly742Asp (NM_012127.3); short protein forms G641D, G742D, G798D, G662D, G686D, G681D.
Identifiers: ClinVar variation 2322131 (VCV002322131.5), dbSNP rs1588115816, ClinGen allele CA375017897.